The following is an entry in ClinVar:

ClinVar aggregate classification (germline): Uncertain significance (1 of 4 stars; one submission).

Conditions:
Hereditary cancer-predisposing syndrome. Also called: Neoplastic Syndromes, Hereditary; Tumor predisposition; Hereditary Cancer Syndrome; Hereditary neoplastic syndrome. Identifiers: Orphanet 140162, MedGen C0027672, MeSH D009386, MONDO:0015356.

Submission:

Color Diagnostics, LLC DBA Color Health
Classification: Uncertain significance for Hereditary cancer-predisposing syndrome. Last evaluated: 2023-12-05. Review status: criteria provided, single submitter. Criteria: ACMG Guidelines, 2015. Collection method: clinical testing. Allele origin: germline.
Comment: This missense variant replaces serine with threonine at codon 629 of the ATM protein. Computational prediction suggests that this variant may not impact protein structure and function (internally defined REVEL score threshold <= 0.5, PMID: 27666373). To our knowledge, functional studies have not been reported for this variant. This variant has not been reported in individuals affected with ATM-related disorders in the literature. This variant has not been identified in the general population by the Genome Aggregation Database (gnomAD). The available evidence is insufficient to determine the role of this variant in disease conclusively. Therefore, this variant is classified as a Variant of Uncertain Significance.

NM_000051.4(ATM):c.1886G>C (p.Ser629Thr)

Gene: ATM (ATM serine/threonine kinase; plus strand). Cytogenetic location: 11q22.3.
Variant type: single nucleotide variant.
Coding change: c.1886G>C on transcript NM_000051.4 (MANE Select); coding-DNA position 1886, G replaced by C.
Protein change: p.Ser629Thr; replaces serine 629 with threonine.
Molecular consequence: missense variant.
Genome position (GRCh38, 1-based): chr11:108,252,900, G>C. VCF-style: chr11-108252900-G-C. GRCh37 (hg19) VCF-style: chr11-108123627-G-C.
Other names: c.1886G>C, p.Ser629Thr (NM_001351834.2); short protein forms S629T.
Identifiers: ClinVar variation 922476 (VCV000922476.4), dbSNP rs2080232076, ClinGen allele CA382536050.